The following is an entry in ClinVar:

NM_000368.5(TSC1):c.1454A>T (p.Glu485Val)

Gene: TSC1 (TSC complex subunit 1; minus strand). Cytogenetic location: 9q34.13.
Variant type: single nucleotide variant.
Coding change: c.1454A>T on transcript NM_000368.5 (MANE Select); coding-DNA position 1454, A replaced by T.
Protein change: p.Glu485Val; replaces glutamic acid 485 with valine.
Molecular consequence: missense variant.
Genome position (GRCh38, 1-based): chr9:132,906,124, T>A on the plus strand (A>T on the coding strand, the complement: TSC1 is on the minus strand). VCF-style: chr9-132906124-T-A. GRCh37 (hg19) VCF-style: chr9-135781511-T-A.
Other names: c.1451A>T, p.Glu484Val (NM_001162426.2); c.1301A>T, p.Glu434Val (NM_001162427.2); c.1091A>T, p.Glu364Val (NM_001362177.2); c.1454A>T (NM_000368.4); short protein forms E434V, E485V, E364V, E484V.
Identifiers: ClinVar variation 1372853 (VCV001372853.10), dbSNP rs2131850010, ClinGen allele CA375365562.

ClinVar aggregate classification (germline): Uncertain significance. Review status: criteria provided, multiple submitters, no conflicts (2 of 4 stars). 3 submissions from 3 submitters: Uncertain significance (3). Last evaluated 2026-05-15.

Conditions:
Hereditary cancer-predisposing syndrome. Also called: Neoplastic Syndromes, Hereditary; Tumor predisposition; Hereditary Cancer Syndrome; Hereditary neoplastic syndrome. Identifiers: Orphanet 140162, MedGen C0027672, MeSH D009386, MONDO:0015356.
Tuberous sclerosis 1 (TSC1). Identifiers: Orphanet 805, MedGen C1854465, MONDO:0008612, OMIM 191100.

Submissions (3):

Ambry Genetics
Classification: Uncertain significance for Hereditary cancer-predisposing syndrome. Last evaluated: 2026-05-15. Review status: criteria provided, single submitter. Criteria: Ambry Variant Classification Scheme 2023. Collection method: clinical testing. Allele origin: germline.
Comment: The p.E485V variant (also known as c.1454A>T), located in coding exon 13 of the TSC1 gene, results from an A to T substitution at nucleotide position 1454. The glutamic acid at codon 485 is replaced by valine, an amino acid with dissimilar properties. This amino acid position is highly conserved in available vertebrate species. In addition, this alteration is predicted to be deleterious by in silico analysis. Based on the available evidence, the clinical significance of this variant remains unclear.

Labcorp Genetics (formerly Invitae), Labcorp
Classification: Uncertain significance for Tuberous sclerosis 1. Last evaluated: 2025-07-07. Review status: criteria provided, single submitter. Criteria: Invitae Variant Classification Sherloc (09022015). Collection method: clinical testing. Allele origin: germline.
Comment: This sequence change replaces glutamic acid, which is acidic and polar, with valine, which is neutral and non-polar, at codon 485 of the TSC1 protein (p.Glu485Val). This variant is not present in population databases (gnomAD no frequency). This variant has not been reported in the literature in individuals affected with TSC1-related conditions. ClinVar contains an entry for this variant (Variation ID: 1372853). Invitae Evidence Modeling of protein sequence and biophysical properties (such as structural, functional, and spatial information, amino acid conservation, physicochemical variation, residue mobility, and thermodynamic stability) indicates that this missense variant is not expected to disrupt TSC1 protein function with a negative predictive value of 95%. In summary, the available evidence is currently insufficient to determine the role of this variant in disease. Therefore, it has been classified as a Variant of Uncertain Significance.

GeneDx
Classification: Uncertain significance. Last evaluated: 2023-01-27. Review status: criteria provided, single submitter. Criteria: GeneDx Variant Classification Process June 2021. Collection method: clinical testing. Allele origin: germline. Affected: yes.
Comment: Not observed at significant frequency in large population cohorts (gnomAD); In silico analysis supports that this missense variant does not alter protein structure/function; Has not been previously published as pathogenic or benign to our knowledge